The following is an entry in ClinVar:

ClinVar aggregate classification (germline): Benign/Likely benign. Review status: criteria provided, multiple submitters, no conflicts (2 of 4 stars). 2 submissions from 2 submitters: Benign (1); Likely benign (1). Last evaluated 2024-10-25.

Conditions:
46,XY sex reversal 6. Also called: 46,XY SEX REVERSAL, PARTIAL OR COMPLETE, MAP3K1-RELATED; 46,XY GONADAL DYSGENESIS, PARTIAL OR COMPLETE, MAP3K1-RELATED. Identifiers: MedGen C3151064, MONDO:0013410, OMIM 613762.

Allele frequency attached by ClinVar (database versions not stated): gnomAD 0.00003; ESP Exome Variant Server 0.00008; gnomAD exomes 0.00008; ExAC 0.00012.
gnomAD v4.1: 119 of 1,612,158 alleles (0.0074%); highest among the groups gnomAD compares: South Asian, 0.053%; no homozygotes.

Submissions (2):

Labcorp Genetics (formerly Invitae), Labcorp
Classification: Benign for 46,XY sex reversal 6. Last evaluated: 2024-10-25. Review status: criteria provided, single submitter. Criteria: Invitae Variant Classification Sherloc (09022015). Collection method: clinical testing. Allele origin: germline.

CeGaT Center for Human Genetics Tuebingen
Classification: Likely benign. Last evaluated: 2024-08-01. Review status: criteria provided, single submitter. Criteria: CeGaT Center For Human Genetics Tuebingen Variant Classification Criteria Version 2. Collection method: clinical testing. Allele origin: germline. Affected: yes. Observed: 1 variant allele.
Comment: MAP3K1: BP4, BP7

NM_005921.2(MAP3K1):c.4074G>A (p.Ser1358=)

Gene: MAP3K1 (mitogen-activated protein kinase kinase kinase 1; plus strand). Cytogenetic location: 5q11.2.
Variant type: single nucleotide variant.
Coding change: c.4074G>A on transcript NM_005921.2 (MANE Select); coding-DNA position 4074, G replaced by A.
Protein change: p.Ser1358=; no amino-acid change (serine 1358 retained).
Molecular consequence: synonymous variant.
Genome position (GRCh38, 1-based): chr5:56,886,023, G>A. VCF-style: chr5-56886023-G-A. GRCh37 (hg19) VCF-style: chr5-56181850-G-A.
Identifiers: ClinVar variation 2850638 (VCV002850638.19), dbSNP rs373628852, ClinGen allele CA3273313.